The following is an entry in ClinVar:

NM_001379500.1(COL18A1):c.1938G>T (p.Val646=)

Gene: COL18A1 (collagen type XVIII alpha 1 chain; plus strand). Cytogenetic location: 21q22.3.
Variant type: single nucleotide variant.
Coding change: c.1938G>T on transcript NM_001379500.1 (MANE Select); coding-DNA position 1938, G replaced by T.
Protein change: p.Val646=; no amino-acid change (valine 646 retained).
Molecular consequence: synonymous variant.
Genome position (GRCh38, 1-based): chr21:45,489,500, G>T. VCF-style: chr21-45489500-G-T. GRCh37 (hg19) VCF-style: chr21-46909414-G-T.
Other names: NM_130445.2:c.1938G>T; c.2478G>T, p.Val826= (NM_030582.4); c.3183G>T, p.Val1061= (NM_130444.3).
Identifiers: ClinVar variation 340230 (VCV000340230.16), dbSNP rs886057125, ClinGen allele CA10653679.

ClinVar aggregate classification (germline): Conflicting classifications of pathogenicity. Review status: criteria provided, conflicting classifications (1 of 4 stars). 3 submissions from 3 submitters: Uncertain significance (1); Likely benign (2). Last evaluated 2026-03-01.

Conditions:
Knobloch syndrome (KNO). Also called: Myopia retinal detachment encephalocele; RETINAL DETACHMENT AND OCCIPITAL ENCEPHALOCELE. Identifiers: Orphanet 1571, MedGen C1849409, MONDO:0800166.

Allele frequency attached by ClinVar (database versions not stated): gnomAD 0.00001; TOPMed 0.00001; gnomAD exomes 0.00002 and 0.00003.
gnomAD v4.1: 30 of 1,603,312 alleles (0.0019%); highest among the groups gnomAD compares: Non-Finnish European, 0.0022%; no homozygotes.

Submissions (3):

CeGaT Center for Human Genetics Tuebingen
Classification: Likely benign. Last evaluated: 2026-03-01. Review status: criteria provided, single submitter. Criteria: CeGaT Center For Human Genetics Tuebingen Variant Classification Criteria Version 2. Collection method: clinical testing. Allele origin: germline. Affected: yes. Observed: 1 variant allele.
Comment: COL18A1: BP4, BP7

Labcorp Genetics (formerly Invitae), Labcorp
Classification: Likely benign. Last evaluated: 2026-01-11. Review status: criteria provided, single submitter. Criteria: Invitae Variant Classification Sherloc (09022015). Collection method: clinical testing. Allele origin: germline.

Illumina Laboratory Services, Illumina
Classification: Uncertain significance for Knobloch syndrome 1. Last evaluated: 2018-01-13. Review status: criteria provided, single submitter. Criteria: ICSL Variant Classification Criteria 13 December 2019. Collection method: clinical testing. Allele origin: germline.